The following is an entry in ClinVar:

ClinVar aggregate classification (germline): Likely benign (0 of 4 stars; one submission).

Conditions:
PCSK1-related disorder. Also called: PCSK1-related condition.

Submission:

PreventionGenetics, part of Exact Sciences
Classification: Likely benign for PCSK1-related condition. Last evaluated: 2022-07-06. Review status: no assertion criteria provided. Collection method: clinical testing. Allele origin: germline.
Comment: This variant is classified as likely benign based on ACMG/AMP sequence variant interpretation guidelines (Richards et al. 2015 PMID: 25741868, with internal and published modifications).

NM_000439.5(PCSK1):c.66G>A (p.Leu22=)

Genes: CAST (calpastatin; plus strand), PCSK1 (proprotein convertase subtilisin/kexin type 1; minus strand), LOC101929710 (uncharacterized LOC101929710; plus strand). Cytogenetic location: 5q15.
Variant type: single nucleotide variant.
Coding change: c.66G>A on transcript NM_000439.5 (MANE Select); coding-DNA position 66, G replaced by A.
Protein change: p.Leu22=; no amino-acid change (leucine 22 retained).
Molecular consequence: synonymous variant. On other transcripts: intron variant (11).
Genome position (GRCh38, 1-based): chr5:96,432,977, C>T on the plus strand (G>A on the coding strand, the complement: PCSK1 is on the minus strand). VCF-style: chr5-96432977-C-T. GRCh37 (hg19) VCF-style: chr5-95768681-C-T.
Other names: c.-175+53325C>T (NM_001423254.1, NM_001423259.1, NM_001423255.1 and 6 more transcripts); c.-103+53325C>T (NM_001423253.1); c.-40+53325C>T (NM_001423258.1).
Identifiers: ClinVar variation 3353336 (VCV003353336.1).